The following is an entry in ClinVar:

NM_172107.4(KCNQ2):c.1142C>A (p.Ala381Asp)

Gene: KCNQ2 (potassium voltage-gated channel subfamily Q member 2; minus strand). Cytogenetic location: 20q13.33.
Variant type: single nucleotide variant.
Coding change: c.1142C>A on transcript NM_172107.4 (MANE Select); coding-DNA position 1142, C replaced by A.
Protein change: p.Ala381Asp; replaces alanine 381 with aspartic acid.
Molecular consequence: missense variant. On other transcripts: intron variant (1).
Genome position (GRCh38, 1-based): chr20:63,431,346, G>T on the plus strand (C>A on the coding strand, the complement: KCNQ2 is on the minus strand). VCF-style: chr20-63431346-G-T. GRCh37 (hg19) VCF-style: chr20-62062699-G-T.
Other names: c.1142C>A, p.Ala381Asp (NM_001382235.1, NM_172106.3, NM_172108.5); c.1118+2463C>A (NM_004518.6); short protein forms A381D.
Identifiers: ClinVar variation 1308969 (VCV001308969.2), dbSNP rs2145655065, ClinGen allele CA409650644.

ClinVar aggregate classification (germline): Uncertain significance (1 of 4 stars; one submission).

Submission:

GeneDx
Classification: Uncertain significance. Last evaluated: 2019-10-14. Review status: criteria provided, single submitter. Criteria: GeneDx Variant Classification Process June 2021. Collection method: clinical testing. Allele origin: germline. Affected: yes.
Comment: Not observed in large population cohorts (Lek et al., 2016); The majority of missense variants in this gene are considered pathogenic (Stenson et al., 2014); In silico analysis, which includes protein predictors and evolutionary conservation, supports a deleterious effect; Has not been previously published as pathogenic or benign to our knowledge; This substitution is predicted to be within the C-terminal cytoplasmic domain